The following is an entry in ClinVar:

NM_005540.3(INPP5B):c.1098C>T (p.Ala366=)

Gene: INPP5B (inositol polyphosphate-5-phosphatase B; minus strand). Cytogenetic location: 1p34.3.
Variant type: single nucleotide variant.
Coding change: c.1098C>T on transcript NM_005540.3 (MANE Select); coding-DNA position 1098, C replaced by T.
Protein change: p.Ala366=; no amino-acid change (alanine 366 retained).
Molecular consequence: synonymous variant. On other transcripts: non-coding transcript variant (4).
Genome position (GRCh38, 1-based): chr1:37,886,921, G>A on the plus strand (C>T on the coding strand, the complement: INPP5B is on the minus strand). VCF-style: chr1-37886921-G-A. GRCh37 (hg19) VCF-style: chr1-38352593-G-A.
Other names: c.606C>T, p.Ala202= (NM_001297434.2); c.438C>T, p.Ala146= (NM_001350227.2, NM_001350228.1); c.1098C>T, p.Ala366= (NM_001365820.1); c.1092C>T, p.Ala364= (NM_001365821.1); c.1032C>T, p.Ala344= (NM_001365822.1); c.903C>T, p.Ala301= (NM_001365823.1, NM_001365824.1); c.741C>T, p.Ala247= (NM_001365825.1).
Identifiers: ClinVar variation 3035807 (VCV003035807.2), dbSNP rs200506068, ClinGen allele CA776021.
Genomic context (GRCh38, chr1:37,886,921, plus strand): 5'-TGCCAAACAAACCAACCAAGGACTCACCATCCTCCCCATGATTCCTGTCCCCACAGTCTC[G>A]GCTTCCACTTCTGAGATATAAGCTGCATGCTCCTGTTTGACATATAACAGCAGCATAATC-3'
Protein context (NP_005531.2, residues 356-376): EHAAYISEVE[Ala366=]ETVGTGIMGR

ClinVar aggregate classification (germline): Likely benign (0 of 4 stars; one submission).

Conditions:
INPP5B-related disorder. Also called: INPP5B-related condition.

Allele frequency attached by ClinVar (database versions not stated): ExAC 0.00008; gnomAD 0.00012; ESP Exome Variant Server 0.00016; TOPMed 0.00019.
gnomAD v4.1: 67 of 1,613,938 alleles (0.0042%); highest among the groups gnomAD compares: African/African-American, 0.024%; no homozygotes.

Submission:

PreventionGenetics, part of Exact Sciences
Classification: Likely benign for INPP5B-related condition. Last evaluated: 2019-08-13. Review status: no assertion criteria provided. Collection method: clinical testing. Allele origin: germline.
Comment: This variant is classified as likely benign based on ACMG/AMP sequence variant interpretation guidelines (Richards et al. 2015 PMID: 25741868, with internal and published modifications).